The following is an entry in ClinVar:

ClinVar aggregate classification (germline): Uncertain significance (1 of 4 stars; one submission).

Conditions:
Hereditary cancer-predisposing syndrome. Also called: Tumor predisposition; Neoplastic Syndromes, Hereditary; Hereditary neoplastic syndrome; Hereditary Cancer Syndrome. Identifiers: Orphanet 140162, MedGen C0027672, MeSH D009386, MONDO:0015356.

Submission:

Ambry Genetics
Classification: Uncertain significance for Hereditary cancer-predisposing syndrome. Last evaluated: 2025-08-27. Review status: criteria provided, single submitter. Criteria: Ambry Variant Classification Scheme 2023. Collection method: clinical testing. Allele origin: germline.
Comment: The p.S406A variant (also known as c.1216T>G), located in coding exon 13 of the MUTYH gene, results from a T to G substitution at nucleotide position 1216. The serine at codon 406 is replaced by alanine, an amino acid with similar properties. This amino acid position is conserved. In addition, the in silico prediction for this alteration is inconclusive. Based on the available evidence, the clinical significance of this variant remains unclear.

NM_001048174.2(MUTYH):c.1132T>G (p.Ser378Ala)

Gene: MUTYH (mutY DNA glycosylase; minus strand). Cytogenetic location: 1p34.1.
Variant type: single nucleotide variant.
Coding change: c.1132T>G on transcript NM_001048174.2 (MANE Select); coding-DNA position 1132, T replaced by G.
Protein change: p.Ser378Ala; replaces serine 378 with alanine.
Molecular consequence: missense variant. On other transcripts: non-coding transcript variant (7).
Genome position (GRCh38, 1-based): chr1:45,331,527, A>C on the plus strand (T>G on the coding strand, the complement: MUTYH is on the minus strand). VCF-style: chr1-45331527-A-C. GRCh37 (hg19) VCF-style: chr1-45797199-A-C.
Other names: c.1216T>G, p.Ser406Ala (NM_001128425.2); c.1177T>G, p.Ser393Ala (NM_001293190.2); c.1165T>G, p.Ser389Ala (NM_001293191.2, NM_001407069.1, NM_001407077.1); c.856T>G, p.Ser286Ala (NM_001293192.2, NM_001293196.2, NM_001407091.1); c.1132T>G, p.Ser378Ala (NM_001293195.2, NM_001407070.1, NM_001407072.1 and 6 more transcripts); c.787T>G, p.Ser263Ala (NM_001350650.2, NM_001350651.2, NM_001407082.1); c.1135T>G, p.Ser379Ala (NM_001407071.1, NM_001407078.1, NM_001407086.1 and 1 more transcripts); c.1048T>G, p.Ser350Ala (NM_001407075.1); and 5 more; short protein forms S263A, S365A, S286A, S379A, S389A, S392A, S403A, S378A.
Identifiers: ClinVar variation 4113087 (VCV004113087.1).